The following is an entry in ClinVar:

ClinVar aggregate classification (germline): Pathogenic (1 of 4 stars; one submission).

Conditions:
Primary ciliary dyskinesia. Also called: Ciliary dyskinesia. Identifiers: Orphanet 244, MedGen C0008780, MONDO:0016575, HP:0012265.

Submission:

Department of Human Genetics, Hannover Medical School
Classification: Pathogenic for Primary Ciliary Dyskinesia. Last evaluated: 2026-04-01. Review status: criteria provided, single submitter. Criteria: ACMG Guidelines, 2015. Collection method: research. Allele origin: germline. Affected: no.
Comment: Classification performed by HerediClassify using the following criteria:['PM2_supporting: Variant occures does not occur as homozygous in gnomAD.', 'PVS1_protein_very_strong: Transcript ENST00000288710 is predicted to undergo NMD.', "PP4_moderate: The modified PICADAR socre of 6.0 exceeds threshold of 5 achieving 'strong' evidence strength."]

NM_145038.5(DRC1):c.822dup (p.Arg275fs)

Gene: DRC1 (dynein regulatory complex subunit 1; plus strand). Cytogenetic location: 2p23.3.
Variant type: Duplication.
Coding change: c.822dup on transcript NM_145038.5 (MANE Select); coding-DNA position 822, one base duplicated (C; older notation c.822dupC).
Protein change: p.Arg275fs; shifts the reading frame from arginine 275.
Molecular consequence: frameshift variant.
Genome position (GRCh38, 1-based): chr2:26,431,940, C duplicated. VCF-style (leftmost placement, unchanged base first): chr2-26431939-A-AC. GRCh37 (hg19) VCF-style: chr2-26654807-A-AC.
Other names: short protein forms R275fs.
Identifiers: ClinVar variation 4880143 (VCV004880143.1).